The following is an entry in ClinVar:

NM_001011.4(RPS7):c.357-10A>G

Gene: RPS7 (ribosomal protein S7; plus strand). Cytogenetic location: 2p25.3.
Variant type: single nucleotide variant.
Coding change: c.357-10A>G on transcript NM_001011.4 (MANE Select); 10 bases into the intron before coding-DNA position 357, A replaced by G.
Molecular consequence: intron variant.
Genome position (GRCh38, 1-based): chr2:3,580,100, A>G. VCF-style: chr2-3580100-A-G. GRCh37 (hg19) VCF-style: chr2-3627690-A-G.
Identifiers: ClinVar variation 695426 (VCV000695426.14), dbSNP rs202032908, ClinGen allele CA1516682.

ClinVar aggregate classification (germline): Likely benign. Review status: criteria provided, multiple submitters, no conflicts (2 of 4 stars). 3 submissions from 3 submitters: Likely benign (2). 1 of the submissions does not count toward it. Last evaluated 2025-10-27.

Conditions:
RPS7-related disorder. Also called: RPS7-related condition.
Diamond-Blackfan anemia 8 (DBA8). Also called: RPS7-Related Diamond-Blackfan Anemia. Identifiers: Orphanet 124, MedGen C2675511, MONDO:0012939, OMIM 612563.

Allele frequency attached by ClinVar (database versions not stated): ExAC 0.00006; gnomAD exomes 0.00008 and 0.00019; gnomAD 0.00009; TOPMed 0.00012; ESP Exome Variant Server 0.00015; 1000 Genomes Project 30x 0.00016; 1000 Genomes Project 0.00020.
gnomAD v4.1: 293 of 1,613,706 alleles (0.018%); highest among the groups gnomAD compares: Non-Finnish European, 0.023%; no homozygotes.

Submissions (3):

Labcorp Genetics (formerly Invitae), Labcorp
Classification: Likely benign for Diamond-Blackfan anemia 8. Last evaluated: 2025-10-27. Review status: criteria provided, single submitter. Criteria: Invitae Variant Classification Sherloc (09022015). Collection method: clinical testing. Allele origin: germline.

Blueprint Genetics
Classification: Likely benign. Last evaluated: 2024-10-18. Review status: criteria provided, single submitter. Criteria: ACMG Guidelines, 2015. Collection method: clinical testing. Allele origin: germline.

PreventionGenetics, part of Exact Sciences
Classification: Likely benign for RPS7-related condition. Last evaluated: 2019-07-30. Review status: no assertion criteria provided. Collection method: clinical testing. Allele origin: germline. Not counted in ClinVar's aggregate classification.
Comment: This variant is classified as likely benign based on ACMG/AMP sequence variant interpretation guidelines (Richards et al. 2015 PMID: 25741868, with internal and published modifications).